The following is an entry in ClinVar:

NM_178510.2(ANKK1):c.2058C>T (p.His686=)

Gene: ANKK1 (ankyrin repeat and kinase domain containing 1; plus strand). Cytogenetic location: 11q23.2.
Variant type: single nucleotide variant.
Coding change: c.2058C>T on transcript NM_178510.2 (MANE Select); coding-DNA position 2058, C replaced by T.
Protein change: p.His686=; no amino-acid change (histidine 686 retained).
Molecular consequence: synonymous variant.
Genome position (GRCh38, 1-based): chr11:113,400,027, C>T. VCF-style: chr11-113400027-C-T. GRCh37 (hg19) VCF-style: chr11-113270749-C-T.
Identifiers: ClinVar variation 790655 (VCV000790655.7), dbSNP rs77077463, ClinGen allele CA6281073.

ClinVar aggregate classification (germline): Benign. Review status: criteria provided, multiple submitters, no conflicts (2 of 4 stars). 3 submissions from 3 submitters: Benign (2). 1 of the submissions does not count toward it. Last evaluated 2019-12-31.

Conditions:
ANKK1-related disorder. Also called: ANKK1-related condition.

Allele frequency attached by ClinVar (database versions not stated): gnomAD exomes 0.00057 and 0.00145; ExAC 0.00183; gnomAD 0.00565 and 0.00611; ESP Exome Variant Server 0.00616; TOPMed 0.00650; 1000 Genomes Project 30x 0.00671; 1000 Genomes Project 0.00719.

Submissions (3):

Labcorp Genetics (formerly Invitae), Labcorp
Classification: Benign. Last evaluated: 2019-12-31. Review status: criteria provided, single submitter. Criteria: Invitae Variant Classification Sherloc (09022015). Collection method: clinical testing. Allele origin: germline.

Breakthrough Genomics
Classification: Benign. Review status: criteria provided, single submitter. Criteria: ACMG Guidelines, 2015. Collection method: not provided. Allele origin: germline. Inheritance: Unknown mechanism. Affected: yes.

PreventionGenetics, part of Exact Sciences
Classification: Benign for ANKK1-related condition. Last evaluated: 2021-07-15. Review status: no assertion criteria provided. Collection method: clinical testing. Allele origin: germline. Not counted in ClinVar's aggregate classification.
Comment: This variant is classified as benign based on ACMG/AMP sequence variant interpretation guidelines (Richards et al. 2015 PMID: 25741868, with internal and published modifications).